The following is an entry in ClinVar:

NM_014014.5(SNRNP200):c.2992G>C (p.Val998Leu)

Gene: SNRNP200 (small nuclear ribonucleoprotein U5 subunit 200; minus strand). Cytogenetic location: 2q11.2.
Variant type: single nucleotide variant.
Coding change: c.2992G>C on transcript NM_014014.5 (MANE Select); coding-DNA position 2992, G replaced by C.
Protein change: p.Val998Leu; replaces valine 998 with leucine.
Molecular consequence: missense variant.
Genome position (GRCh38, 1-based): chr2:96,289,328, C>G on the plus strand (G>C on the coding strand, the complement: SNRNP200 is on the minus strand). VCF-style: chr2-96289328-C-G. GRCh37 (hg19) VCF-style: chr2-96955066-C-G.
Other names: c.2992G>C (NM_014014.4); short protein forms V998L.
Identifiers: ClinVar variation 2780983 (VCV002780983.4), dbSNP rs2467333604, ClinGen allele CA347674322.

ClinVar aggregate classification (germline): Uncertain significance. Review status: criteria provided, multiple submitters, no conflicts (2 of 4 stars). 2 submissions from 2 submitters: Uncertain significance (2). Last evaluated 2026-02-02.

Submissions (2):

GeneDx
Classification: Uncertain significance. Last evaluated: 2026-02-02. Review status: criteria provided, single submitter. Criteria: GeneDx Variant Classification Process June 2021. Collection method: clinical testing. Allele origin: germline.
Comment: Not observed at significant frequency in large population cohorts (gnomAD); In silico analysis suggests that this missense variant does not alter protein structure/function; Has not been previously published as pathogenic or benign to our knowledge

Labcorp Genetics (formerly Invitae), Labcorp
Classification: Uncertain significance. Last evaluated: 2023-08-23. Review status: criteria provided, single submitter. Criteria: Invitae Variant Classification Sherloc (09022015). Collection method: clinical testing. Allele origin: germline.
Comment: In summary, the available evidence is currently insufficient to determine the role of this variant in disease. Therefore, it has been classified as a Variant of Uncertain Significance. Advanced modeling of protein sequence and biophysical properties (such as structural, functional, and spatial information, amino acid conservation, physicochemical variation, residue mobility, and thermodynamic stability) performed at Invitae indicates that this missense variant is not expected to disrupt SNRNP200 protein function. This variant has not been reported in the literature in individuals affected with SNRNP200-related conditions. This variant is not present in population databases (gnomAD no frequency). This sequence change replaces valine, which is neutral and non-polar, with leucine, which is neutral and non-polar, at codon 998 of the SNRNP200 protein (p.Val998Leu).